The following is an entry in ClinVar:

ClinVar aggregate classification (germline): Likely pathogenic (0 of 4 stars; one submission).

Conditions:
Idiopathic basal ganglia calcification 1 (PFBC1A). Also called: PRIMARY FAMILIAL BRAIN CALCIFICATION 1A, AUTOSOMAL DOMINANT; Fahr's syndrome; Familial Idiopathic Basal Ganglia Calcification 3; Primary Familial Brain Calcification; Familial Idiopathic Basal Ganglia Calcification 2; Cerebral calcification nonarteriosclerotic idiopathic adult-onset. Identifiers: Orphanet 1980, MedGen C4551624, MONDO:0024538, OMIM 213600.

Submission:

Laboratory of Medical Genetics, University of Torino
Classification: Likely pathogenic for Idiopathic basal ganglia calcification 1. Last evaluated: 2018-11-30. Review status: no assertion criteria provided. Collection method: clinical testing. Allele origin: germline. Affected: yes. Observed: 2 variant alleles.
Comment: genomic deletion spanning exon 6

NC_000008.10:g.(42297172_42302163)_(42302281_42317413)del

Gene: SLC20A2 (solute carrier family 20 member 2; minus strand). Cytogenetic location: 8p11.21.
Variant type: Deletion.
Identifiers: ClinVar variation 634895 (VCV000634895.2).